The following is an entry in ClinVar:

NM_004415.4(DSP):c.2793+6A>G

Gene: DSP (desmoplakin; plus strand). Cytogenetic location: 6p24.3.
Variant type: single nucleotide variant.
Coding change: c.2793+6A>G on transcript NM_004415.4 (MANE Select); 6 bases into the intron after coding-DNA position 2793, A replaced by G.
Molecular consequence: intron variant.
Genome position (GRCh38, 1-based): chr6:7,576,462, A>G. VCF-style: chr6-7576462-A-G. GRCh37 (hg19) VCF-style: chr6-7576695-A-G.
Other names: c.2793+6A>G (NM_001319034.2, NM_001008844.3).
Identifiers: ClinVar variation 3046371 (VCV003046371.5), dbSNP rs1169186602, ClinGen allele CA565358335.

ClinVar aggregate classification (germline): Conflicting classifications of pathogenicity. Review status: criteria provided, conflicting classifications (1 of 4 stars). 4 submissions from 4 submitters: Uncertain significance (2); Likely benign (1). 1 of the submissions does not count toward it. Last evaluated 2025-06-16.

Conditions:
DSP-related disorder. Also called: DSP-related condition; DSP-related disorders.
Arrhythmogenic cardiomyopathy with wooly hair and keratoderma. Also called: PALMOPLANTAR KERATODERMA WITH LEFT VENTRICULAR CARDIOMYOPATHY AND WOOLLY HAIR; Carvajal syndrome; Dilated cardiomyopathy with woolly hair and keratoderma; Arrhythmogenic cardiomyopathy with woolly hair and keratoderma. Identifiers: Orphanet 65282, MedGen C1854063, MONDO:0011581, OMIM 605676.

Allele frequency attached by ClinVar (database versions not stated): gnomAD exomes below 0.00001.
gnomAD v4.1: 1 of 1,614,116 alleles (0.000062%); highest among the groups gnomAD compares: Non-Finnish European, 0.000085%; no homozygotes.

Submissions (4):

Women's Health and Genetics/Laboratory Corporation of America, LabCorp
Classification: Uncertain significance. Last evaluated: 2025-06-16. Review status: criteria provided, single submitter. Criteria: LabCorp Variant Classification Summary - May 2015. Collection method: clinical testing. Allele origin: germline.

All of Us Research Program, National Institutes of Health
Classification: Uncertain significance for Arrhythmogenic cardiomyopathy with wooly hair and keratoderma. Last evaluated: 2024-05-30. Review status: criteria provided, single submitter. Criteria: ACMG Guidelines, 2015. Collection method: clinical testing. Allele origin: germline. Inheritance: Autosomal dominant inheritance. Observed: 1 variant allele, 1 heterozygote.
Comment: This variant causes an A to G nucleotide substitution at the +6 position of intron 19 of the DSP gene. To our knowledge, functional studies have not been reported for this variant. This variant has not been reported in individuals affected with DSP-related disorders in the literature. This variant has been identified in 1/251160 chromosomes in the general population by the Genome Aggregation Database (gnomAD). The available evidence is insufficient to determine the role of this variant in disease conclusively. Therefore, this variant is classified as a Variant of Uncertain Significance.

This study involves interpretation of variants in research participants for the purpose of population health screening. Participant phenotype was not available at the time of variant classification. Additional details can be found in publication PMID: 35346344, PMCID: PMC8962531

Blueprint Genetics
Classification: Likely benign. Last evaluated: 2024-04-26. Review status: criteria provided, single submitter. Criteria: ACMG Guidelines, 2015. Collection method: clinical testing. Allele origin: germline.

PreventionGenetics, part of Exact Sciences
Classification: Likely benign for DSP-related condition. Last evaluated: 2020-04-02. Review status: no assertion criteria provided. Collection method: clinical testing. Allele origin: germline. Not counted in ClinVar's aggregate classification.
Comment: This variant is classified as likely benign based on ACMG/AMP sequence variant interpretation guidelines (Richards et al. 2015 PMID: 25741868, with internal and published modifications).